The following is an entry in ClinVar:

NM_016818.3(ABCG1):c.9T>C (p.Cys3=)

Gene: ABCG1 (ATP binding cassette subfamily G member 1; plus strand). Cytogenetic location: 21q22.3.
Variant type: single nucleotide variant.
Coding change: c.9T>C on transcript NM_016818.3 (MANE Select); coding-DNA position 9, T replaced by C.
Protein change: p.Cys3=; no amino-acid change (cysteine 3 retained).
Molecular consequence: synonymous variant. On other transcripts: intron variant (3).
Genome position (GRCh38, 1-based): chr21:42,219,271, T>C. VCF-style: chr21-42219271-T-C. GRCh37 (hg19) VCF-style: chr21-43639381-T-C.
Other names: c.9T>C, p.Cys3= (NM_004915.4); c.49-6400T>C (NM_207627.2); c.-24-6400T>C (NM_207628.1); c.33+3083T>C (NM_207629.2).
Identifiers: ClinVar variation 3044620 (VCV003044620.2), dbSNP rs144415936, ClinGen allele CA10040799.

ClinVar aggregate classification (germline): Benign (0 of 4 stars; one submission).

Conditions:
ABCG1-related disorder. Also called: ABCG1-related condition.

Allele frequency attached by ClinVar (database versions not stated): gnomAD exomes 0.00070; ExAC 0.00288; 1000 Genomes Project 0.00319; 1000 Genomes Project 30x 0.00359; gnomAD 0.00506; ESP Exome Variant Server 0.00523; TOPMed 0.00618.
gnomAD v4.1: 1,835 of 1,585,852 alleles (0.12%); highest among the groups gnomAD compares: African/African-American, 1.9%; 19 homozygotes.

Submission:

PreventionGenetics, part of Exact Sciences
Classification: Benign for ABCG1-related condition. Last evaluated: 2019-02-19. Review status: no assertion criteria provided. Collection method: clinical testing. Allele origin: germline.
Comment: This variant is classified as benign based on ACMG/AMP sequence variant interpretation guidelines (Richards et al. 2015 PMID: 25741868, with internal and published modifications).